The following is an entry in ClinVar:

NM_001386140.1(MTTP):c.2457T>G (p.Phe819Leu)

Gene: MTTP (microsomal triglyceride transfer protein; plus strand). Cytogenetic location: 4q23.
Variant type: single nucleotide variant.
Coding change: c.2457T>G on transcript NM_001386140.1 (MANE Select); coding-DNA position 2457, T replaced by G.
Protein change: p.Phe819Leu; replaces phenylalanine 819 with leucine.
Molecular consequence: missense variant.
Genome position (GRCh38, 1-based): chr4:99,621,175, T>G. VCF-style: chr4-99621175-T-G. GRCh37 (hg19) VCF-style: chr4-100542332-T-G.
Other names: c.2457T>G (NM_000253.2); c.2457T>G, p.Phe819Leu (NM_000253.4); c.2208T>G, p.Phe736Leu (NM_001300785.2); short protein forms F819L, F736L.
Identifiers: ClinVar variation 850026 (VCV000850026.5), dbSNP rs765341695, ClinGen allele CA3022366.

ClinVar aggregate classification (germline): Uncertain significance. Review status: criteria provided, multiple submitters, no conflicts (2 of 4 stars). 3 submissions from 3 submitters: Uncertain significance (2). 1 of the submissions does not count toward it. Last evaluated 2023-12-11.

Conditions:
Abetalipoproteinaemia (ABL). Also called: Abetalipoproteinemia; Abetalipoproteinemia neuropathy; Apolipoprotein B deficiency; Congenital betalipoprotein deficiency syndrome; MTP DEFICIENCY. Identifiers: Orphanet 14, MedGen C0000744, MONDO:0008692, OMIM 200100, HP:0008181.
Inborn genetic diseases. Identifiers: MedGen C0950123, MeSH D030342.

Allele frequency attached by ClinVar (database versions not stated): gnomAD exomes 0.00001 and 0.00006; gnomAD 0.00002 and 0.00003; ExAC 0.00005; TOPMed 0.00007.

Submissions (3):

Ambry Genetics
Classification: Uncertain significance for Inborn genetic diseases. Last evaluated: 2023-12-11. Review status: criteria provided, single submitter. Criteria: Ambry Variant Classification Scheme 2023. Collection method: clinical testing. Allele origin: germline.

Labcorp Genetics (formerly Invitae), Labcorp
Classification: Uncertain significance. Last evaluated: 2022-10-05. Review status: criteria provided, single submitter. Criteria: Invitae Variant Classification Sherloc (09022015). Collection method: clinical testing. Allele origin: germline.
Comment: This sequence change replaces phenylalanine, which is neutral and non-polar, with leucine, which is neutral and non-polar, at codon 819 of the MTTP protein (p.Phe819Leu). This variant is present in population databases (rs765341695, gnomAD 0.04%). This variant has not been reported in the literature in individuals affected with MTTP-related conditions. ClinVar contains an entry for this variant (Variation ID: 850026). Advanced modeling of protein sequence and biophysical properties (such as structural, functional, and spatial information, amino acid conservation, physicochemical variation, residue mobility, and thermodynamic stability) performed at Invitae indicates that this missense variant is expected to disrupt MTTP protein function. In summary, the available evidence is currently insufficient to determine the role of this variant in disease. Therefore, it has been classified as a Variant of Uncertain Significance.

Natera, Inc.
Classification: Uncertain significance for Abetalipoproteinemia. Last evaluated: 2020-09-24. Review status: no assertion criteria provided. Collection method: clinical testing. Allele origin: germline. Not counted in ClinVar's aggregate classification.